The following is an entry in ClinVar:

NM_002185.5(IL7R):c.1046G>C (p.Cys349Ser)

Gene: IL7R (interleukin 7 receptor; plus strand). Cytogenetic location: 5p13.2.
Variant type: single nucleotide variant.
Coding change: c.1046G>C on transcript NM_002185.5 (MANE Select); coding-DNA position 1046, G replaced by C.
Protein change: p.Cys349Ser; replaces cysteine 349 with serine.
Molecular consequence: missense variant. On other transcripts: non-coding transcript variant (1).
Genome position (GRCh38, 1-based): chr5:35,876,152, G>C. VCF-style: chr5-35876152-G-C. GRCh37 (hg19) VCF-style: chr5-35876254-G-C.
Other names: c.*163G>C (NM_001410734.1); short protein forms C349S.
Identifiers: ClinVar variation 2150838 (VCV002150838.2), dbSNP rs200927791, ClinGen allele CA3232189.

ClinVar aggregate classification (germline): Uncertain significance. Review status: criteria provided, multiple submitters, no conflicts (2 of 4 stars). 2 submissions from 2 submitters: Uncertain significance (2). Last evaluated 2025-08-01.

Conditions:
Inborn genetic diseases. Identifiers: MedGen C0950123, MeSH D030342.
Immunodeficiency 104. Also called: Severe combined immunodeficiency, autosomal recessive, T cell-negative, B cell-positive, NK cell-positive; IMMUNODEFICIENCY 104, SEVERE COMBINED; SCID, AUTOSOMAL RECESSIVE, T CELL-NEGATIVE, B CELL-POSITIVE, NK CELL-POSITIVE; Severe Combined Immune Deficiency, Autosomal Recessive, TCell -Negative, B Cell-Positive, NK Cell-Positive, IL7R-Related. Identifiers: MedGen C5676890, MONDO:0012163, OMIM 608971.

Allele frequency attached by ClinVar (database versions not stated): TOPMed below 0.00001.

Submissions (2):

Ambry Genetics
Classification: Uncertain significance for Inborn genetic diseases. Last evaluated: 2025-08-01. Review status: criteria provided, single submitter. Criteria: Ambry Variant Classification Scheme 2023. Collection method: clinical testing. Allele origin: germline.

Labcorp Genetics (formerly Invitae), Labcorp
Classification: Uncertain significance for Immunodeficiency 104. Last evaluated: 2022-01-17. Review status: criteria provided, single submitter. Criteria: Invitae Variant Classification Sherloc (09022015). Collection method: clinical testing. Allele origin: germline.
Comment: This sequence change replaces cysteine, which is neutral and slightly polar, with serine, which is neutral and polar, at codon 349 of the IL7R protein (p.Cys349Ser). This variant is present in population databases (rs200927791, gnomAD 0.002%). This variant has not been reported in the literature in individuals affected with IL7R-related conditions. Advanced modeling of protein sequence and biophysical properties (such as structural, functional, and spatial information, amino acid conservation, physicochemical variation, residue mobility, and thermodynamic stability) performed at Invitae indicates that this missense variant is not expected to disrupt IL7R protein function. In summary, the available evidence is currently insufficient to determine the role of this variant in disease. Therefore, it has been classified as a Variant of Uncertain Significance.